The following is an entry in ClinVar:

ClinVar aggregate classification (germline): Uncertain significance (1 of 4 stars; one submission).

Submission:

Labcorp Genetics (formerly Invitae), Labcorp
Classification: Uncertain significance. Last evaluated: 2025-08-17. Review status: criteria provided, single submitter. Criteria: Invitae Variant Classification Sherloc (09022015). Collection method: clinical testing. Allele origin: germline.
Comment: This sequence change falls in intron 2 of the POLE gene. It does not directly change the encoded amino acid sequence of the POLE protein. It affects a nucleotide within the consensus splice site. This variant is not present in population databases (gnomAD no frequency). This variant has not been reported in the literature in individuals affected with POLE-related conditions. ClinVar contains an entry for this variant (Variation ID: 1518802). Variants that disrupt the consensus splice site are a relatively common cause of aberrant splicing (PMID: 17576681, 9536098). Algorithms developed to predict the effect of sequence changes on RNA splicing suggest that this variant may disrupt the consensus splice site. In summary, the available evidence is currently insufficient to determine the role of this variant in disease. Therefore, it has been classified as a Variant of Uncertain Significance.

Literature cited by the submitters: PubMed 17576681; PubMed 9536098.

NM_006231.4(POLE):c.204+4A>G

Gene: POLE (DNA polymerase epsilon, catalytic subunit; minus strand). Cytogenetic location: 12q24.33.
Variant type: single nucleotide variant.
Coding change: c.204+4A>G on transcript NM_006231.4 (MANE Select); 4 bases into the intron after coding-DNA position 204, A replaced by G.
Molecular consequence: intron variant.
Genome position (GRCh38, 1-based): chr12:132,681,134, T>C on the plus strand (A>G on the coding strand, the complement: POLE is on the minus strand). VCF-style: chr12-132681134-T-C. GRCh37 (hg19) VCF-style: chr12-133257720-T-C.
Identifiers: ClinVar variation 1518802 (VCV001518802.6), dbSNP rs2136033408, ClinGen allele CA2573148296.